The following is an entry in ClinVar:

ClinVar aggregate classification (germline): Uncertain significance (1 of 4 stars; one submission).

Conditions:
Multiple congenital exostosis (EXT). Also called: Hereditary multiple exostoses; Hereditary multiple exostosis; Multiple osteochondromas; MULTIPLE CARTILAGINOUS EXOSTOSES; Multiple exostoses; Hereditary multiple osteochondromas. Identifiers: Orphanet 321, MedGen C0015306, MONDO:0005508, HP:0002762.

Submission:

Labcorp Genetics (formerly Invitae), Labcorp
Classification: Uncertain significance for Multiple congenital exostosis. Last evaluated: 2023-02-18. Review status: criteria provided, single submitter. Criteria: Invitae Variant Classification Sherloc (09022015). Collection method: clinical testing. Allele origin: germline.
Comment: In summary, the available evidence is currently insufficient to determine the role of this variant in disease. Therefore, it has been classified as a Variant of Uncertain Significance. Advanced modeling of protein sequence and biophysical properties (such as structural, functional, and spatial information, amino acid conservation, physicochemical variation, residue mobility, and thermodynamic stability) performed at Invitae indicates that this missense variant is not expected to disrupt EXT1 protein function. This variant has not been reported in the literature in individuals affected with EXT1-related conditions. This variant is not present in population databases (gnomAD no frequency). This sequence change replaces alanine, which is neutral and non-polar, with valine, which is neutral and non-polar, at codon 533 of the EXT1 protein (p.Ala533Val).

NM_000127.3(EXT1):c.1598C>T (p.Ala533Val)

Gene: EXT1 (exostosin glycosyltransferase 1; minus strand). Cytogenetic location: 8q24.11.
Variant type: single nucleotide variant.
Coding change: c.1598C>T on transcript NM_000127.3 (MANE Select); coding-DNA position 1598, C replaced by T.
Protein change: p.Ala533Val; replaces alanine 533 with valine.
Molecular consequence: missense variant.
Genome position (GRCh38, 1-based): chr8:117,818,469, G>A on the plus strand (C>T on the coding strand, the complement: EXT1 is on the minus strand). VCF-style: chr8-117818469-G-A. GRCh37 (hg19) VCF-style: chr8-118830708-G-A.
Other names: short protein forms A533V.
Identifiers: ClinVar variation 2813089 (VCV002813089.3), dbSNP rs2129736623, ClinGen allele CA371883152.
Genomic context (GRCh38, chr8:117,818,469, plus strand): 5'-ACATATAGGTCCCCTTCGAGTCTTACCTTGCTCTCTCCTTCAATGACGACGACAGGCACA[G>A]CAGTGGCAGGCCAGCGGTGTTTGGCTGGTAGGGGCTTGTCACAATTCCATAGAACTATGA-3'
Protein context (NP_000118.2, residues 523-543): LPAKHRWPAT[Ala533Val]VPVVVIEGES